The following is an entry in ClinVar:

ClinVar aggregate classification (germline): Uncertain significance (1 of 4 stars; one submission).

Conditions:
Immunodeficiency, common variable, 4. Also called: ANTIBODY DEFICIENCY DUE TO BAFFR DEFECT. Identifiers: Orphanet 1572, Orphanet 696925, MedGen C3150739, MONDO:0013284, OMIM 613494.

Allele frequency attached by ClinVar (database versions not stated): gnomAD 0.00001; gnomAD exomes below 0.00001.

Submission:

Labcorp Genetics (formerly Invitae), Labcorp
Classification: Uncertain significance for Immunodeficiency, common variable, 4. Last evaluated: 2025-05-07. Review status: criteria provided, single submitter. Criteria: Invitae Variant Classification Sherloc (09022015). Collection method: clinical testing. Allele origin: germline.
Comment: This variant, c.264_265insATGGTCCTGGCG, results in the insertion of 4 amino acid(s) of the TNFRSF13C protein (p.Ala88_Leu89insMetValLeuAla), but otherwise preserves the integrity of the reading frame. This variant is not present in population databases (gnomAD no frequency). This variant has not been reported in the literature in individuals affected with TNFRSF13C-related conditions. ClinVar contains an entry for this variant (Variation ID: 1059823). Experimental studies and prediction algorithms are not available or were not evaluated, and the functional significance of this variant is currently unknown. In summary, the available evidence is currently insufficient to determine the role of this variant in disease. Therefore, it has been classified as a Variant of Uncertain Significance.

NM_052945.4(TNFRSF13C):c.264_265insATGGTCCTGGCG (p.Ala88_Leu89insMetValLeuAla)

Genes: TNFRSF13C (TNF receptor superfamily member 13C; minus strand), LOC130067574 (ATAC-STARR-seq lymphoblastoid silent region 13813; plus strand). Cytogenetic location: 22q13.2.
Variant type: Insertion.
Coding change: c.264_265insATGGTCCTGGCG on transcript NM_052945.4 (MANE Select); coding-DNA positions 264 to 265, ATGGTCCTGGCG inserted.
Protein change: p.Ala88_Leu89insMetValLeuAla.
Molecular consequence: inframe insertion.
Genome position: GRCh38 VCF-style: chr22-41926203-G-GCGCCAGGACCAT. GRCh37 (hg19) VCF-style: chr22-42322207-G-GCGCCAGGACCAT.
Identifiers: ClinVar variation 1059823 (VCV001059823.7), dbSNP rs2077629096, ClinGen allele CA1025906896.
Genomic context (GRCh38, chr22:41,926,203, plus strand): 5'-GAAGCCGCCGCTGTCGCCGCCTCCAGCTCACCAGACCCACCAGGACCAGCGCCAGGACCA[G>GCGCCAGGACCAT]TGCCAGGCCCAGCAGCGCGGGGGCGCCAAAGAGCAGCCCGGGCAGGGGCAGCGCCGCCTC-3'